The following is an entry in ClinVar:

ClinVar aggregate classification (germline): Conflicting classifications of pathogenicity. Review status: criteria provided, conflicting classifications (1 of 4 stars). 7 submissions from 7 submitters: Uncertain significance (2); Benign (1); Likely benign (3). 1 of the submissions does not count toward it. Last evaluated 2025-09-12.

Conditions:
TSC2-related disorder. Also called: TSC2-Related Disorders; TSC2-related condition.
Tuberous sclerosis 2 (TSC2). Identifiers: Orphanet 805, MedGen C1860707, MONDO:0013199, OMIM 613254.
Tuberous sclerosis syndrome (TSC). Also called: Tuberous sclerosis; Tuberous Sclerosis Complex. Identifiers: Orphanet 805, MedGen C0041341, MONDO:0001734.
Hereditary cancer-predisposing syndrome. Also called: Hereditary neoplastic syndrome; Tumor predisposition; Hereditary Cancer Syndrome; Neoplastic Syndromes, Hereditary. Identifiers: Orphanet 140162, MedGen C0027672, MeSH D009386, MONDO:0015356.

gnomAD v4.1: 9 of 1,591,448 alleles (0.00057%); highest among the groups gnomAD compares: Non-Finnish European, 0.00068%; no homozygotes.

Submissions (7):

Labcorp Genetics (formerly Invitae), Labcorp
Classification: Likely benign for Tuberous sclerosis 2. Last evaluated: 2025-09-12. Review status: criteria provided, single submitter. Criteria: Invitae Variant Classification Sherloc (09022015). Collection method: clinical testing. Allele origin: germline.

Myriad Genetics, Inc.
Classification: Benign for Tuberous sclerosis 2. Last evaluated: 2025-05-02. Review status: criteria provided, single submitter. Criteria: Myriad Autosomal Dominant, Autosomal Recessive and X-Linked Classification Criteria (2023). Collection method: clinical testing. Allele origin: unknown.
Comment: This variant is considered benign. This variant is a silent/synonymous amino acid change and it is not expected to impact splicing.

Genome-Nilou Lab
Classification: Likely benign for Tuberous sclerosis 2. Last evaluated: 2021-11-07. Review status: criteria provided, single submitter. Criteria: ACMG Guidelines, 2015. Collection method: clinical testing. Allele origin: germline. Affected: no.

Ambry Genetics
Classification: Likely benign for Hereditary cancer-predisposing syndrome. Last evaluated: 2019-11-15. Review status: criteria provided, single submitter. Criteria: Ambry Variant Classification Scheme 2023. Collection method: clinical testing. Allele origin: germline.

Illumina Laboratory Services, Illumina
Classification: Uncertain significance for Tuberous sclerosis syndrome. Last evaluated: 2018-01-12. Review status: criteria provided, single submitter. Criteria: ICSL Variant Classification Criteria 13 December 2019. Collection method: clinical testing. Allele origin: germline.

Blueprint Genetics
Classification: Uncertain significance. Last evaluated: 2017-08-31. Review status: criteria provided, single submitter. Criteria: ACMG Guidelines, 2015. Collection method: clinical testing. Allele origin: germline.

PreventionGenetics, part of Exact Sciences
Classification: Likely benign for TSC2-related condition. Last evaluated: 2022-12-22. Review status: no assertion criteria provided. Collection method: clinical testing. Allele origin: germline. Not counted in ClinVar's aggregate classification.
Comment: This variant is classified as likely benign based on ACMG/AMP sequence variant interpretation guidelines (Richards et al. 2015 PMID: 25741868, with internal and published modifications).

NM_000548.5(TSC2):c.258G>C (p.Ala86=)

Gene: TSC2 (TSC complex subunit 2; plus strand). Cytogenetic location: 16p13.3.
Variant type: single nucleotide variant.
Coding change: c.258G>C on transcript NM_000548.5 (MANE Select); coding-DNA position 258, G replaced by C.
Protein change: p.Ala86=; no amino-acid change (alanine 86 retained).
Molecular consequence: synonymous variant. On other transcripts: intron variant (2).
Genome position (GRCh38, 1-based): chr16:2,053,374, G>C. VCF-style: chr16-2053374-G-C. GRCh37 (hg19) VCF-style: chr16-2103375-G-C.
Other names: c.258G>C, p.Ala86= (NM_001077183.3, NM_001114382.3, NM_001363528.2 and 3 more transcripts); c.111G>C, p.Ala37= (NM_001318829.2); c.291G>C, p.Ala97= (NM_001318832.2); c.226-922G>C (NM_001318827.2); c.-1-2822G>C (NM_001318831.2); c.258G>C (NM_000548.4).
Identifiers: ClinVar variation 318305 (VCV000318305.25), dbSNP rs397514912, ClinGen allele CA10648011.